The following is an entry in ClinVar:

ClinVar aggregate classification (germline): Uncertain significance (1 of 4 stars; one submission).

Conditions:
Neuronal ceroid lipofuscinosis 7 (CLN7). Also called: MFSD8-Related Neuronal Ceroid-Lipofuscinosis. Identifiers: Orphanet 168491, Orphanet 228366, MedGen C1838571, MONDO:0012588, OMIM 610951.

Allele frequency attached by ClinVar (database versions not stated): gnomAD exomes below 0.00001.

Submission:

Labcorp Genetics (formerly Invitae), Labcorp
Classification: Uncertain significance for Neuronal ceroid lipofuscinosis 7. Last evaluated: 2021-09-01. Review status: criteria provided, single submitter. Criteria: Invitae Variant Classification Sherloc (09022015). Collection method: clinical testing. Allele origin: germline.
Comment: This sequence change replaces valine with aspartic acid at codon 259 of the MFSD8 protein (p.Val259Asp). The valine residue is weakly conserved and there is a large physicochemical difference between valine and aspartic acid. This variant is not present in population databases (ExAC no frequency). This variant has not been reported in the literature in individuals affected with MFSD8-related conditions. Algorithms developed to predict the effect of missense changes on protein structure and function output the following: SIFT: "Tolerated"; PolyPhen-2: "Benign"; Align-GVGD: "Class C0". The aspartic acid amino acid residue is found in multiple mammalian species, which suggests that this missense change does not adversely affect protein function. In summary, the available evidence is currently insufficient to determine the role of this variant in disease. Therefore, it has been classified as a Variant of Uncertain Significance.

NM_001371596.2(MFSD8):c.776T>A (p.Val259Asp)

Gene: MFSD8 (major facilitator superfamily domain containing 8; minus strand). Cytogenetic location: 4q28.2.
Variant type: single nucleotide variant.
Coding change: c.776T>A on transcript NM_001371596.2 (MANE Select); coding-DNA position 776, T replaced by A.
Protein change: p.Val259Asp; replaces valine 259 with aspartic acid.
Molecular consequence: missense variant.
Genome position (GRCh38, 1-based): chr4:127,933,072, A>T on the plus strand (T>A on the coding strand, the complement: MFSD8 is on the minus strand). VCF-style: chr4-127933072-A-T. GRCh37 (hg19) VCF-style: chr4-128854227-A-T.
Other names: c.575T>A, p.Val192Asp (NM_001363520.3); c.461T>A, p.Val154Asp (NM_001363521.3); c.641T>A, p.Val214Asp (NM_001371590.2); c.776T>A, p.Val259Asp (NM_001371591.2, NM_152778.4); c.782T>A, p.Val261Asp (NM_001371592.2); c.662T>A, p.Val221Asp (NM_001371593.2, NM_001410766.1); c.629T>A, p.Val210Asp (NM_001371594.2); c.494T>A, p.Val165Asp (NM_001371595.1); and 1 more; short protein forms V259D, V192D, V154D, V165D, V210D, V214D, V221D, V261D.
Identifiers: ClinVar variation 464780 (VCV000464780.4), dbSNP rs1553947509, ClinGen allele CA358174766.